The following is an entry in ClinVar:

ClinVar aggregate classification (germline): Conflicting classifications of pathogenicity. Review status: criteria provided, conflicting classifications (1 of 4 stars). 3 submissions from 2 submitters: Uncertain significance (1); Likely benign (2). Last evaluated 2021-09-16.

Conditions:
Muscular dystrophy-dystroglycanopathy (congenital with brain and eye anomalies), type A, 4 (MDDGA4). Also called: Walker-Warburg Syndrome, Fktn-Related; Congenital muscular dystrophy-dystroglycanopathy with brain and eye anomalies, type A4; WALKER-WARBURG SYNDROME OR MUSCLE-EYE-BRAIN DISEASE, FKTN-RELATED; Muscular dystrophy, congenital progressive, with mental retardation; Muscular dystrophy, congenital, with central nervous system involvement; Cerebromuscular dystrophy, Fukuyama type. Identifiers: Orphanet 272, Orphanet 588, Orphanet 899, MedGen C0410174, MONDO:0009678, OMIM 253800.
Dilated cardiomyopathy 1X (CMD1X). Also called: CARDIOMYOPATHY, DILATED, WITH MILD OR NO PROXIMAL MUSCLE WEAKNESS; FKTN-Related Dilated Cardiomyopathy. Identifiers: Orphanet 154, MedGen C1969024, MONDO:0012704, OMIM 611615.

Allele frequency attached by ClinVar (database versions not stated): gnomAD exomes 0.00033; 1000 Genomes Project 30x 0.00390; 1000 Genomes Project 0.00399; gnomAD 0.00442 and 0.00472; TOPMed 0.00497.
gnomAD v4.1: 950 of 985,320 alleles (0.096%); highest among the groups gnomAD compares: African/African-American, 1.6%; 6 homozygotes.

Submissions (3):

GeneDx
Classification: Likely benign. Last evaluated: 2021-09-16. Review status: criteria provided, single submitter. Criteria: GeneDx Variant Classification Process June 2021. Collection method: clinical testing. Allele origin: germline. Affected: yes.

Illumina Laboratory Services, Illumina
Classification: Likely benign for Muscular dystrophy-dystroglycanopathy (congenital with brain and eye anomalies), type A, 4. Last evaluated: 2018-01-13. Review status: criteria provided, single submitter. Criteria: ICSL Variant Classification Criteria 13 December 2019. Collection method: clinical testing. Allele origin: germline.
Comment: This variant was observed in the ICSL laboratory as part of a predisposition screen in an ostensibly healthy population. It had not been previously curated by ICSL or reported in the Human Gene Mutation Database (HGMD: prior to June 1st, 2018), and was therefore a candidate for classification through an automated scoring system. Utilizing variant allele frequency, disease prevalence and penetrance estimates, and inheritance mode, an automated score was calculated to assess if this variant is too frequent to cause the disease. Based on the score and internal cut-off values, a variant classified as likely benign is not then subjected to further curation. The score for this variant resulted in a classification of likely benign for this disease.

Illumina Laboratory Services, Illumina
Classification: Uncertain significance for Dilated cardiomyopathy 1X. Last evaluated: 2018-01-13. Review status: criteria provided, single submitter. Criteria: ICSL Variant Classification Criteria 13 December 2019. Collection method: clinical testing. Allele origin: germline.

NM_001079802.2(FKTN):c.*2427G>T

Gene: FKTN (fukutin; plus strand). Cytogenetic location: 9q31.2.
Variant type: single nucleotide variant.
Coding change: c.*2427G>T on transcript NM_001079802.2 (MANE Select); 2427 bases downstream of the stop codon, G replaced by T.
Molecular consequence: 3 prime UTR variant. On other transcripts: non-coding transcript variant (2), intron variant (1).
Genome position (GRCh38, 1-based): chr9:105,637,691, G>T. VCF-style: chr9-105637691-G-T. GRCh37 (hg19) VCF-style: chr9-108399972-G-T.
Other names: c.*2427G>T (NM_001351496.2, NM_001351497.2, NM_001351499.2 and 4 more transcripts); c.*2605G>T (NM_001351498.2); c.1271-2410G>T (NM_001198963.2).
Identifiers: ClinVar variation 914080 (VCV000914080.5), dbSNP rs116364105, ClinGen allele CA197463121.